The following is an entry in ClinVar:

NM_198880.3(QRICH1):c.460C>A (p.Pro154Thr)

Gene: QRICH1 (glutamine rich 1; minus strand). Cytogenetic location: 3p21.31.
Variant type: single nucleotide variant.
Coding change: c.460C>A on transcript NM_198880.3 (MANE Select); coding-DNA position 460, C replaced by A.
Protein change: p.Pro154Thr; replaces proline 154 with threonine.
Molecular consequence: missense variant.
Genome position (GRCh38, 1-based): chr3:49,057,740, G>T on the plus strand (C>A on the coding strand, the complement: QRICH1 is on the minus strand). VCF-style: chr3-49057740-G-T. GRCh37 (hg19) VCF-style: chr3-49095173-G-T.
Other names: c.460C>A, p.Pro154Thr (NM_001320580.2, NM_001320581.2, NM_001320582.2 and 4 more transcripts); short protein forms P154T.
Identifiers: ClinVar variation 4882161 (VCV004882161.2).

ClinVar aggregate classification (germline): Uncertain significance (1 of 4 stars; one submission).

Conditions:
Ververi-Brady syndrome. Identifiers: MedGen C4693824, MONDO:0979877.

Submission:

Dasa
Classification: Uncertain significance for Ververi-Brady syndrome. Last evaluated: 2025-04-08. Review status: criteria provided, single submitter. Criteria: DASA Assertion Criteria. Collection method: clinical testing. Allele origin: germline.
Comment: NM_198880.3(QRICH1):c.460C>A (p.Pro154Thr) is a missense variant that results in the substitution of proline with threonine. This variant is absent from population databases. Computational prediction algorithms are consistent with a benign effect. The currently available literature and clinical evidence are not sufficient to establish a definitive association between this variant and the reported condition. Therefore, this variant is classified as a variant of uncertain significance.